The following is an entry in ClinVar:

ClinVar aggregate classification (germline): Uncertain significance (1 of 4 stars; one submission).

Conditions:
Progressive familial heart block type IB (PFHB1B). Identifiers: Orphanet 871, MedGen C1970298, MONDO:0011474, OMIM 604559.

Submission:

Labcorp Genetics (formerly Invitae), Labcorp
Classification: Uncertain significance for Progressive familial heart block type IB. Last evaluated: 2025-07-30. Review status: criteria provided, single submitter. Criteria: Invitae Variant Classification Sherloc (09022015). Collection method: clinical testing. Allele origin: germline.
Comment: This variant, c.2515_2532dup, results in the insertion of 6 amino acid(s) of the TRPM4 protein (p.Ser839_Gly844dup), but otherwise preserves the integrity of the reading frame. This variant is not present in population databases (gnomAD no frequency). This variant has not been reported in the literature in individuals affected with TRPM4-related conditions. In summary, the available evidence is currently insufficient to determine the role of this variant in disease. Therefore, it has been classified as a Variant of Uncertain Significance.

NM_017636.4(TRPM4):c.2515_2532dup (p.Gly844_Pro845insSerLeuAlaSerGlyGly)

Gene: TRPM4 (transient receptor potential cation channel subfamily M member 4; plus strand). Cytogenetic location: 19q13.33.
Variant type: Duplication.
Coding change: c.2515_2532dup on transcript NM_017636.4 (MANE Select); coding-DNA positions 2515 to 2532, 18 bases duplicated (AGCCTCGCCAGCGGGGGC).
Protein change: p.Gly844_Pro845insSerLeuAlaSerGlyGly.
Molecular consequence: inframe insertion. On other transcripts: intron variant (1).
Genome position (GRCh38, 1-based): chr19:49,196,744-49,196,761, AGCCTCGCCAGCGGGGGC duplicated; duplicating any 18 consecutive bases within chr19:49,196,736-49,196,761 gives the same sequence; the c. name uses the placement nearest the transcript's 3' end. VCF-style (leftmost placement, unchanged base first): chr19-49196735-G-GGCGGGGGCAGCCTCGCCA. GRCh37 (hg19) VCF-style: chr19-49699992-G-GGCGGGGGCAGCCTCGCCA.
Other names: c.2170_2187dup, p.Gly729_Pro730insSerLeuAlaSerGlyGly (NM_001321281.2); c.907_924dup, p.Gly308_Pro309insSerLeuAlaSerGlyGly (NM_001321282.2); c.1993_2010dup, p.Gly670_Pro671insSerLeuAlaSerGlyGly (NM_001321283.2); c.1453_1470dup, p.Gly490_Pro491insSerLeuAlaSerGlyGly (NM_001321285.2); c.2211-3556_2211-3539dup (NM_001195227.2).
Identifiers: ClinVar variation 4752795 (VCV004752795.1).
Genomic context (GRCh38, chr19:49,196,735, plus strand): 5'-CTGCTCTATTTCTGGGCTTTCACGCTGCTGTGCGAGGAACTGCGCCAGGGCCTGAGCGGA[G>GGCGGGGGCAGCCTCGCCA]GCGGGGGCAGCCTCGCCAGCGGGGGCCCCGGGCCTGGCCATGCCTCACTGAGCCAGCGCC-3'